The following is an entry in ClinVar:

ClinVar aggregate classification (germline): Uncertain significance (1 of 4 stars; one submission).

Conditions:
Hereditary cancer-predisposing syndrome. Also called: Neoplastic Syndromes, Hereditary; Tumor predisposition; Hereditary Cancer Syndrome; Hereditary neoplastic syndrome. Identifiers: Orphanet 140162, MedGen C0027672, MeSH D009386, MONDO:0015356.

Submission:

Ambry Genetics
Classification: Uncertain significance for Hereditary cancer-predisposing syndrome. Last evaluated: 2024-06-17. Review status: criteria provided, single submitter. Criteria: Ambry Variant Classification Scheme 2023. Collection method: clinical testing. Allele origin: germline.
Comment: The c.3863_3867delACAGGinsCC variant (also known as p.H1288_R1289delinsP), located in coding exon 31 of the TSC2 gene, results from an in-frame deletion of ACAGG and insertion of CC at nucleotide positions 3863 to 3867. This results in the substitution of histidine and arginine residues for a proline residue at codons 1288 and 1289. This amino acid region is well conserved in available vertebrate species. In addition, the in silico prediction for this alteration is inconclusive (Choi Y et al. PLoS ONE. 2012; 7(10):e46688). Based on the available evidence, the clinical significance of this variant remains unclear.

NM_000548.5(TSC2):c.3863_3867delinsCC (p.His1288_Arg1289delinsPro)

Gene: TSC2 (TSC complex subunit 2; plus strand). Cytogenetic location: 16p13.3.
Variant type: Indel.
Coding change: c.3863_3867delinsCC on transcript NM_000548.5 (MANE Select); coding-DNA positions 3863 to 3867, ACAGG replaced by CC.
Protein change: p.His1288_Arg1289delinsPro.
Molecular consequence: inframe indel. On other transcripts: intron variant (6).
Genome position (GRCh38, 1-based): chr16:2,082,484-2,082,488, ACAGG replaced by CC. VCF-style: chr16-2082484-ACAGG-CC. GRCh37 (hg19) VCF-style: chr16-2132485-ACAGG-CC.
Other names: c.3131_3135delinsCC, p.His1044_Arg1045delinsPro (NM_001318831.2); c.3731_3735delinsCC, p.His1244_Arg1245delinsPro (NM_001370404.1); c.3734_3738delinsCC, p.His1245_Arg1246delinsPro (NM_001370405.1, NM_021055.3); c.3860_3864delACAGGinsCC, p.His1287_Arg1288delinsPro (NM_001406663.1); c.3731_3735delACAGGinsCC, p.His1244_Arg1245delinsPro (NM_001406665.1); c.3263_3267delACAGGinsCC, p.His1088_Arg1089delinsPro (NM_001406680.1); c.2390_2394delACAGGinsCC, p.His797_Arg798delinsPro (NM_001406690.1); c.2387_2391delACAGGinsCC, p.His796_Arg797delinsPro (NM_001406691.1); and 6 more.
Identifiers: ClinVar variation 1735624 (VCV001735624.3), dbSNP rs2544191741, ClinGen allele CA2580091046.